The following is an entry in ClinVar:

NM_000264.5(PTCH1):c.2309G>T (p.Arg770Leu)

Genes: PTCH1 (patched 1; minus strand), LOC100507346 (uncharacterized LOC100507346; plus strand). Cytogenetic location: 9q22.32.
Variant type: single nucleotide variant.
Coding change: c.2309G>T on transcript NM_000264.5 (MANE Select); coding-DNA position 2309, G replaced by T.
Protein change: p.Arg770Leu; replaces arginine 770 with leucine.
Molecular consequence: missense variant. On other transcripts: non-coding transcript variant (1).
Genome position (GRCh38, 1-based): chr9:95,467,367, C>A on the plus strand (G>T on the coding strand, the complement: PTCH1 is on the minus strand). VCF-style: chr9-95467367-C-A. GRCh37 (hg19) VCF-style: chr9-98229649-C-A.
Other names: NC_000009.11:g.98229649C>A; c.2111G>T, p.Arg704Leu (NM_001083602.3); c.2306G>T, p.Arg769Leu (NM_001083603.3); c.1856G>T, p.Arg619Leu (NM_001083604.3, NM_001083605.3, NM_001083606.3 and 1 more transcripts); c.2153G>T, p.Arg718Leu (NM_001354918.2); short protein forms R619L, R704L, R718L, R769L, R770L.
Identifiers: ClinVar variation 3369405 (VCV003369405.3).

ClinVar aggregate classification (germline): Uncertain significance. Review status: criteria provided, multiple submitters, no conflicts (2 of 4 stars). 2 submissions from 2 submitters: Uncertain significance (2). Last evaluated 2026-07-11.

Conditions:
Hereditary cancer-predisposing syndrome. Also called: Tumor predisposition; Hereditary Cancer Syndrome; Hereditary neoplastic syndrome; Neoplastic Syndromes, Hereditary. Identifiers: Orphanet 140162, MedGen C0027672, MeSH D009386, MONDO:0015356.

Submissions (3):

Ambry Genetics
Classification: Uncertain significance for Hereditary cancer-predisposing syndrome. Last evaluated: 2026-07-11. Review status: criteria provided, single submitter. Criteria: Ambry Variant Classification Scheme 2023. Collection method: clinical testing. Allele origin: germline.
Comment: The p.R770L variant (also known as c.2309G>T), located in coding exon 15 of the PTCH1 gene, results from a G to T substitution at nucleotide position 2309. The arginine at codon 770 is replaced by leucine, an amino acid with dissimilar properties. This amino acid position is conserved. In addition, the in silico prediction for this alteration is inconclusive. Based on the available evidence, the clinical significance of this variant remains unclear.

GeneDx
Classification: Uncertain significance. Last evaluated: 2024-02-22. Review status: criteria provided, single submitter. Criteria: GeneDx Variant Classification Process June 2021. Collection method: clinical testing. Allele origin: germline. Affected: yes.
Comment: Not observed at significant frequency in large population cohorts (gnomAD); In silico analysis supports that this missense variant does not alter protein structure/function; Has not been previously published as pathogenic or benign to our knowledge; This variant is associated with the following publications: (PMID: 8906794)

Dr. Peter K. Rogan Lab, Western University
No classification provided (evidence only). Condition: Papillary renal cell carcinoma type 1. Review status: no classification provided. Collection method: in vitro. Allele origin: not applicable. Functional consequence: retained intron. Not counted in ClinVar's aggregate classification.